The following is an entry in ClinVar:

ClinVar aggregate classification (germline): Uncertain significance (1 of 4 stars; one submission).

Conditions:
Hereditary spastic paraplegia 8 (SPG8). Also called: SPASTIC PARAPLEGIA 8, AUTOSOMAL DOMINANT. Identifiers: Orphanet 100989, MedGen C1863704, MONDO:0011339, OMIM 603563.
Ritscher-Schinzel syndrome. Also called: CRANIOCEREBELLOCARDIAC DYSPLASIA. Identifiers: Orphanet 7, MedGen C0796137, MONDO:0019078.

Allele frequency attached by ClinVar (database versions not stated): gnomAD 0.00001; TOPMed 0.00002.

Submission:

Labcorp Genetics (formerly Invitae), Labcorp
Classification: Uncertain significance for Ritscher-Schinzel syndrome; Hereditary spastic paraplegia 8. Last evaluated: 2025-07-30. Review status: criteria provided, single submitter. Criteria: Invitae Variant Classification Sherloc (09022015). Collection method: clinical testing. Allele origin: germline.
Comment: This sequence change replaces arginine, which is basic and polar, with glutamine, which is neutral and polar, at codon 374 of the WASHC5 protein (p.Arg374Gln). This variant is present in population databases (rs764120080, gnomAD 0.003%). This variant has not been reported in the literature in individuals affected with WASHC5-related conditions. ClinVar contains an entry for this variant (Variation ID: 2933727). Invitae Evidence Modeling of protein sequence and biophysical properties (such as structural, functional, and spatial information, amino acid conservation, physicochemical variation, residue mobility, and thermodynamic stability) indicates that this missense variant is expected to disrupt WASHC5 protein function with a positive predictive value of 80%. In summary, the available evidence is currently insufficient to determine the role of this variant in disease. Therefore, it has been classified as a Variant of Uncertain Significance.

NM_014846.4(WASHC5):c.1121G>A (p.Arg374Gln)

Gene: WASHC5 (WASH complex subunit 5; minus strand). Cytogenetic location: 8q24.13.
Variant type: single nucleotide variant.
Coding change: c.1121G>A on transcript NM_014846.4 (MANE Select); coding-DNA position 1121, G replaced by A.
Protein change: p.Arg374Gln; replaces arginine 374 with glutamine.
Molecular consequence: missense variant.
Genome position (GRCh38, 1-based): chr8:125,073,182, C>T on the plus strand (G>A on the coding strand, the complement: WASHC5 is on the minus strand). VCF-style: chr8-125073182-C-T. GRCh37 (hg19) VCF-style: chr8-126085424-C-T.
Other names: c.677G>A, p.Arg226Gln (NM_001330609.2); short protein forms R374Q, R226Q.
Identifiers: ClinVar variation 2933727 (VCV002933727.3), dbSNP rs764120080, ClinGen allele CA4873930.